The following is an entry in ClinVar:

NM_006060.6(IKZF1):c.2T>C (p.Met1Thr)

Gene: IKZF1 (IKAROS family zinc finger 1; plus strand). Cytogenetic location: 7p12.2.
Variant type: single nucleotide variant.
Coding change: c.2T>C on transcript NM_006060.6 (MANE Select); coding-DNA position 2, T replaced by C.
Protein change: p.Met1Thr; changes the start codon (methionine 1).
Molecular consequence: missense variant, initiator codon variant.
Genome position (GRCh38, 1-based): chr7:50,319,063, T>C. VCF-style: chr7-50319063-T-C. GRCh37 (hg19) VCF-style: chr7-50358659-T-C.
Other names: c.2T>C, p.Met1Thr (NM_001291843.1, NM_001291844.1, NM_001291845.2 and 14 more transcripts); short protein forms M1T.
Identifiers: ClinVar variation 2134457 (VCV002134457.5), dbSNP rs2536357171, ClinGen allele CA367568822.

ClinVar aggregate classification (germline): Uncertain significance (1 of 4 stars; one submission).

Allele frequency attached by ClinVar (database versions not stated): gnomAD exomes below 0.00001.

Submission:

Labcorp Genetics (formerly Invitae), Labcorp
Classification: Uncertain significance. Last evaluated: 2025-08-19. Review status: criteria provided, single submitter. Criteria: Invitae Variant Classification Sherloc (09022015). Collection method: clinical testing. Allele origin: germline.
Comment: This sequence change affects the initiator codon of the IKZF1 mRNA. This change may impact translation initiation or efficiency. The next in-frame methionine is located at codon 9. This variant is not present in population databases (gnomAD no frequency). This variant has not been reported in the literature in individuals affected with IKZF1-related conditions. ClinVar contains an entry for this variant (Variation ID: 2134457). Experimental studies and prediction algorithms are not available or were not evaluated, and the functional significance of this variant is currently unknown. In summary, the available evidence is currently insufficient to determine the role of this variant in disease. Therefore, it has been classified as a Variant of Uncertain Significance.